The following is an entry in ClinVar:

NM_016562.4(TLR7):c.1244G>A (p.Ser415Asn)

Gene: TLR7 (toll like receptor 7; plus strand). Cytogenetic location: Xp22.2.
Variant type: single nucleotide variant.
Coding change: c.1244G>A on transcript NM_016562.4 (MANE Select); coding-DNA position 1244, G replaced by A.
Protein change: p.Ser415Asn; replaces serine 415 with asparagine.
Molecular consequence: missense variant.
Genome position (GRCh38, 1-based): chrX:12,886,752, G>A. VCF-style: chrX-12886752-G-A. GRCh37 (hg19) VCF-style: chrX-12904871-G-A.
Other names: c.1244G>A (NM_016562.3); short protein forms S415N.
Identifiers: ClinVar variation 3716888 (VCV003716888.3).

ClinVar aggregate classification (germline): Uncertain significance. Review status: criteria provided, multiple submitters, no conflicts (2 of 4 stars). 2 submissions from 2 submitters: Uncertain significance (2). Last evaluated 2025-08-21.

gnomAD v4.1: 11 of 1,207,152 alleles (0.00091%); highest among the groups gnomAD compares: Admixed American, 0.022%; no homozygotes.

Submissions (2):

Ambry Genetics
Classification: Uncertain significance. Last evaluated: 2025-08-21. Review status: criteria provided, single submitter. Criteria: Ambry Variant Classification Scheme 2023. Collection method: clinical testing. Allele origin: germline.

Labcorp Genetics (formerly Invitae), Labcorp
Classification: Uncertain significance. Last evaluated: 2025-07-20. Review status: criteria provided, single submitter. Criteria: Invitae Variant Classification Sherloc (09022015). Collection method: clinical testing. Allele origin: germline.
Comment: This sequence change replaces serine, which is neutral and polar, with asparagine, which is neutral and polar, at codon 415 of the TLR7 protein (p.Ser415Asn). This variant is present in population databases (rs190564296, gnomAD 0.008%). This variant has not been reported in the literature in individuals affected with TLR7-related conditions. ClinVar contains an entry for this variant (Variation ID: 3716888). An algorithm developed to predict the effect of missense changes on protein structure and function outputs the following: PolyPhen-2: "Benign". The asparagine amino acid residue is found in multiple mammalian species, which suggests that this missense change does not adversely affect protein function. In summary, the available evidence is currently insufficient to determine the role of this variant in disease. Therefore, it has been classified as a Variant of Uncertain Significance.